The following is an entry in ClinVar:

NM_016203.4(PRKAG2):c.1079C>T (p.Pro360Leu)

Gene: PRKAG2 (protein kinase AMP-activated non-catalytic subunit gamma 2; minus strand). Cytogenetic location: 7q36.1.
Variant type: single nucleotide variant.
Coding change: c.1079C>T on transcript NM_016203.4 (MANE Select); coding-DNA position 1079, C replaced by T.
Protein change: p.Pro360Leu; replaces proline 360 with leucine.
Molecular consequence: missense variant.
Genome position (GRCh38, 1-based): chr7:151,570,198, G>A on the plus strand (C>T on the coding strand, the complement: PRKAG2 is on the minus strand). VCF-style: chr7-151570198-G-A. GRCh37 (hg19) VCF-style: chr7-151267284-G-A.
Other names: c.947C>T, p.Pro316Leu (NM_001040633.2, NM_001407024.1); c.704C>T, p.Pro235Leu (NM_001304527.2, NM_001407029.1); c.356C>T, p.Pro119Leu (NM_001304531.2, NM_001407034.1, NM_001407035.1 and 1 more transcripts); c.707C>T, p.Pro236Leu (NM_001363698.2, NM_001407028.1); c.1079C>T, p.Pro360Leu (NM_001407021.1); c.1076C>T, p.Pro359Leu (NM_001407022.1, NM_001407023.1); c.944C>T, p.Pro315Leu (NM_001407026.1, NM_001407027.1); c.791C>T, p.Pro264Leu (NM_001407030.1); and 6 more; short protein forms P264L, P119L, P235L, P254L, P263L, P135L, P316L, P359L.
Identifiers: ClinVar variation 1785739 (VCV001785739.2), dbSNP rs2536346197, ClinGen allele CA370071758.
Genomic context (GRCh38, chr7:151,570,198, plus strand): 5'-GAATGTTTTCAAAGAAAAAAAAAACAAGTTTACCTTGCATCTGGAGATATATTCACTAAA[G>A]GCTTAAATGTTTCTTGTAAATAAAGCTCTGTATTTATAGAAAGAAAATATGCAGTTAGTA-3'
Protein context (NP_057287.2, residues 350-370): RELYLQETFK[Pro360Leu]LVNISPDASL

ClinVar aggregate classification (germline): Uncertain significance (1 of 4 stars; one submission).

Conditions:
Cardiovascular phenotype. Identifiers: MedGen CN230736.

Submission:

Ambry Genetics
Classification: Uncertain significance for Cardiovascular phenotype. Last evaluated: 2022-01-02. Review status: criteria provided, single submitter. Criteria: Ambry Variant Classification Scheme 2023. Collection method: clinical testing. Allele origin: germline.
Comment: The p.P360L variant (also known as c.1079C>T), located in coding exon 10 of the PRKAG2 gene, results from a C to T substitution at nucleotide position 1079. The proline at codon 360 is replaced by leucine, an amino acid with similar properties. This amino acid position is conserved. In addition, this alteration is predicted to be deleterious by in silico analysis. Since supporting evidence is limited at this time, the clinical significance of this alteration remains unclear.